The following is an entry in ClinVar:

NM_005918.4(MDH2):c.796A>G (p.Met266Val)

Gene: MDH2 (malate dehydrogenase 2; plus strand). Cytogenetic location: 7q11.23.
Variant type: single nucleotide variant.
Coding change: c.796A>G on transcript NM_005918.4 (MANE Select); coding-DNA position 796, A replaced by G.
Protein change: p.Met266Val; replaces methionine 266 with valine.
Molecular consequence: missense variant.
Genome position (GRCh38, 1-based): chr7:76,064,864, A>G. VCF-style: chr7-76064864-A-G. GRCh37 (hg19) VCF-style: chr7-75694182-A-G.
Other names: c.670A>G, p.Met224Val (NM_001282403.2); c.475A>G, p.Met159Val (NM_001282404.2); short protein forms M159V, M224V, M266V.
Identifiers: ClinVar variation 2414791 (VCV002414791.3), dbSNP rs782760951, ClinGen allele CA4305715.

ClinVar aggregate classification (germline): Uncertain significance (1 of 4 stars; one submission).

Allele frequency attached by ClinVar (database versions not stated): ExAC 0.00001; gnomAD 0.00001; TOPMed 0.00001.
gnomAD v4.1: 10 of 1,614,054 alleles (0.00062%); highest among the groups gnomAD compares: South Asian, 0.0066%; no homozygotes.

Submission:

Labcorp Genetics (formerly Invitae), Labcorp
Classification: Uncertain significance. Last evaluated: 2022-05-10. Review status: criteria provided, single submitter. Criteria: Invitae Variant Classification Sherloc (09022015). Collection method: clinical testing. Allele origin: germline.
Comment: This sequence change replaces methionine, which is neutral and non-polar, with valine, which is neutral and non-polar, at codon 266 of the MDH2 protein (p.Met266Val). This variant is present in population databases (rs782760951, gnomAD 0.003%). This variant has not been reported in the literature in individuals affected with MDH2-related conditions. Algorithms developed to predict the effect of missense changes on protein structure and function (SIFT, PolyPhen-2, Align-GVGD) all suggest that this variant is likely to be tolerated. In summary, the available evidence is currently insufficient to determine the role of this variant in disease. Therefore, it has been classified as a Variant of Uncertain Significance.